The following is an entry in ClinVar:

ClinVar aggregate classification (germline): Pathogenic. Review status: reviewed by expert panel (3 of 4 stars). 2 submissions from 2 submitters: Pathogenic (1). 1 of the submissions does not count toward it. Last evaluated 2024-01-22.

Conditions:
Monogenic diabetes. Identifiers: Orphanet 183625, MedGen C3888631, MONDO:0015967.

Submissions (2):

ClinGen Monogenic Diabetes Variant Curation Expert Panel
Classification: Pathogenic for Monogenic diabetes. Last evaluated: 2024-01-22. Review status: reviewed by expert panel. Criteria: ClinGen Diabetes ACMG Specifications HNF1A V2.1.0. Collection method: curation. Allele origin: germline. Inheritance: Autosomal dominant inheritance.
Comment: The c.690_691del variant in the HNF1 homeobox A gene, HNF1A, causes a frameshift in the protein at codon 230 NM_000545.8), adding 8 novel amino acids before encountering a stop codon (p.(p.Glu230AspfsTer8)). This variant, located in biologically-relevant exon 3 of 10, is predicted to lead to nonsense mediated decay in a gene in which loss-of-function is an established disease mechanism (PVS1; PMID: 23348805). This variant is absent in gnomAD v2.1.1 (PM2_Supporting), and was identified in four unrelated individuals with non- autoimmune and non-absolute/near-absolute insulin-deficient diabetes (PS4_Moderate; PMID:18003757, internal lab contributors). At least two individuals have a clinical history highly specific for HNF1A-MODY (MODY probability calculator result >50%, negative genetic testing for HNF4A, and antibody negative) (PP4_Moderate; internal lab contributor). This variant segregated with diabetes, with 3 informative meioses in a family with MODY (PP1; internal lab contributor). In summary, c.690_691del meets the criteria to be classified as pathogenic for monogenic diabetes. ACMG/AMP criteria applied, as specified by the ClinGen MDEP (specification version 2.1, approved 8/11/2023): PVS1, PP4_Moderate, PS4_Moderate, PP1, PM2_Supporting.

Labcorp Genetics (formerly Invitae), Labcorp
Classification: Pathogenic. Last evaluated: 2024-08-11. Review status: criteria provided, single submitter. Criteria: Invitae Variant Classification Sherloc (09022015). Collection method: clinical testing. Allele origin: germline. Not counted in ClinVar's aggregate classification.
Comment: This sequence change creates a premature translational stop signal (p.Glu230Aspfs*8) in the HNF1A gene. It is expected to result in an absent or disrupted protein product. Loss-of-function variants in HNF1A are known to be pathogenic (PMID: 15928245, 18003757). This variant is not present in population databases (gnomAD no frequency). This premature translational stop signal has been observed in individual(s) with maturity-onset diabetes of the young (PMID: 16917892). For these reasons, this variant has been classified as Pathogenic.

Literature cited by the submitters: PubMed 15928245 (cited by Labcorp Genetics (formerly Invitae), Labcorp); PubMed 18003757 (cited by Labcorp Genetics (formerly Invitae), Labcorp); PubMed 16917892 (cited by Labcorp Genetics (formerly Invitae), Labcorp).

NM_000545.8(HNF1A):c.690_691del (p.Glu230fs)

Gene: HNF1A (HNF1 homeobox A; plus strand). Cytogenetic location: 12q24.31.
Variant type: Microsatellite.
Coding change: c.690_691del on transcript NM_000545.8 (MANE Select); coding-DNA positions 690 to 691, 2 bases deleted (GA; older notation c.690_691delGA).
Protein change: p.Glu230fs; shifts the reading frame from glutamic acid 230.
Molecular consequence: frameshift variant.
Genome position (GRCh38, 1-based): chr12:120,993,683-120,993,684, GA deleted; deleting any 2 consecutive bases within chr12:120,993,679-120,993,684 gives the same sequence; the c. name uses the placement nearest the transcript's 3' end. VCF-style (leftmost placement, unchanged base first): chr12-120993678-CGA-C. GRCh37 (hg19) VCF-style: chr12-121431481-CGA-C.
Other names: NM_001306179.2:c.690_691del; c.690_691del, p.Glu230fs (NM_001306179.2, NM_001406915.1); short protein forms E230fs.
Identifiers: ClinVar variation 2691845 (VCV002691845.3), dbSNP rs2499995717, ClinGen allele CA2580611121.
Genomic context (GRCh38, chr12:120,993,678, plus strand): 5'-GCATCCCAGCAGATCCTGTTCCAGGCCTATGAGAGGCAGAAGAACCCTAGCAAGGAGGAG[CGA>C]GAGACGCTAGTGGAGGAGTGCAATAGGTACAACGGCGGGCGGGAAACAGTGCTGGTTTGG-3'